The following is an entry in ClinVar:

NM_005886.3(KATNB1):c.362C>T (p.Ala121Val)

Gene: KATNB1 (katanin regulatory subunit B1; plus strand). Cytogenetic location: 16q21.
Variant type: single nucleotide variant.
Coding change: c.362C>T on transcript NM_005886.3 (MANE Select); coding-DNA position 362, C replaced by T.
Protein change: p.Ala121Val; replaces alanine 121 with valine.
Molecular consequence: missense variant.
Genome position (GRCh38, 1-based): chr16:57,750,899, C>T. VCF-style: chr16-57750899-C-T. GRCh37 (hg19) VCF-style: chr16-57784811-C-T.
Other names: c.362C>T (NM_005886.2); short protein forms A121V.
Identifiers: ClinVar variation 1436765 (VCV001436765.7), dbSNP rs2049221467, ClinGen allele CA396066560.
Genomic context (GRCh38, chr16:57,750,899, plus strand): 5'-TCATGGGACACAAAGCCAACATCTGCAGCCTGGATTTCCACCCGTACGGCGAGTTTGTAG[C>T]CTCTGGTTCCCAGGACACAAACATCAAGGTGAGAGGCCGGTCCGTGCCCCGTGTCTCCTG-3'
Protein context (NP_005877.2, residues 111-131): LDFHPYGEFV[Ala121Val]SGSQDTNIKL

ClinVar aggregate classification (germline): Uncertain significance. Review status: criteria provided, multiple submitters, no conflicts (2 of 4 stars). 2 submissions from 2 submitters: Uncertain significance (2). Last evaluated 2025-02-07.

Conditions:
Inborn genetic diseases. Identifiers: MedGen C0950123, MeSH D030342.

Allele frequency attached by ClinVar (database versions not stated): TOPMed below 0.00001; gnomAD exomes 0.00001.

Submissions (2):

Ambry Genetics
Classification: Uncertain significance for Inborn genetic diseases. Last evaluated: 2025-02-07. Review status: criteria provided, single submitter. Criteria: Ambry Variant Classification Scheme 2023. Collection method: clinical testing. Allele origin: germline.

Labcorp Genetics (formerly Invitae), Labcorp
Classification: Uncertain significance. Last evaluated: 2022-08-15. Review status: criteria provided, single submitter. Criteria: Invitae Variant Classification Sherloc (09022015). Collection method: clinical testing. Allele origin: germline.
Comment: In summary, the available evidence is currently insufficient to determine the role of this variant in disease. Therefore, it has been classified as a Variant of Uncertain Significance. This sequence change replaces alanine, which is neutral and non-polar, with valine, which is neutral and non-polar, at codon 121 of the KATNB1 protein (p.Ala121Val). This variant is not present in population databases (gnomAD no frequency). This variant has not been reported in the literature in individuals affected with KATNB1-related conditions. ClinVar contains an entry for this variant (Variation ID: 1436765). Advanced modeling of protein sequence and biophysical properties (such as structural, functional, and spatial information, amino acid conservation, physicochemical variation, residue mobility, and thermodynamic stability) performed at Invitae indicates that this missense variant is not expected to disrupt KATNB1 protein function.